The following is an entry in ClinVar:

ClinVar aggregate classification (germline): Pathogenic/Likely pathogenic. Review status: criteria provided, multiple submitters, no conflicts (2 of 4 stars). 2 submissions from 2 submitters: Pathogenic (1); Likely pathogenic (1). Last evaluated 2024-09-03.

Conditions:
Gorlin syndrome. Also called: Basal cell nevus syndrome; Nevoid Basal Cell Carcinoma Syndrome. Identifiers: Orphanet 377, MedGen C0004779, MONDO:0007187.
PTCH1-related disorder. Also called: PTCH1-related disorders; PTCH1-related condition.

Submissions (2):

Blueprint Genetics
Classification: Likely pathogenic for PTCH1-related disorders. Last evaluated: 2024-09-03. Review status: criteria provided, single submitter. Criteria: ACMG Guidelines, 2015. Collection method: clinical testing. Allele origin: germline. Affected: yes. Observed: 1 variant allele.

Labcorp Genetics (formerly Invitae), Labcorp
Classification: Pathogenic for Gorlin syndrome. Last evaluated: 2020-12-24. Review status: criteria provided, single submitter. Criteria: Invitae Variant Classification Sherloc (09022015). Collection method: clinical testing. Allele origin: germline.
Comment: For these reasons, this variant has been classified as Pathogenic. This variant has not been reported in the literature in individuals with PTCH1-related conditions. This variant is not present in population databases (ExAC no frequency). This sequence change creates a premature translational stop signal (p.Cys454*) in the PTCH1 gene. It is expected to result in an absent or disrupted protein product. Loss-of-function variants in PTCH1 are known to be pathogenic (PMID: 16301862, 16419085).

Literature cited by the submitters: PubMed 16301862 (cited by Labcorp Genetics (formerly Invitae), Labcorp); PubMed 16419085 (cited by Labcorp Genetics (formerly Invitae), Labcorp).

NM_000264.5(PTCH1):c.1361_1364del (p.Ala453_Cys454insTer)

Gene: PTCH1 (patched 1; minus strand). Cytogenetic location: 9q22.32.
Variant type: Deletion.
Coding change: c.1361_1364del on transcript NM_000264.5 (MANE Select); coding-DNA positions 1361 to 1364, 4 bases deleted (GTCT; older notation c.1361_1364delGTCT).
Protein change: p.Ala453_Cys454insTer.
Molecular consequence: nonsense. On other transcripts: non-coding transcript variant (1), intron variant (1).
Genome position (GRCh38, 1-based): chr9:95,477,686-95,477,689, AGAC deleted on the plus strand (GTCT on the coding strand, the reverse complement: PTCH1 is on the minus strand); deleting any 4 consecutive bases within chr9:95,477,686-95,477,691 gives the same sequence; the c. name uses the placement nearest the transcript's 3' end. VCF-style (leftmost placement, unchanged base first): chr9-95477685-TAGAC-T. GRCh37 (hg19) VCF-style: chr9-98239967-TAGAC-T.
Other names: c.1163_1166del, p.Ala387_Cys388insTer (NM_001083602.3); c.1358_1361del, p.Ala452_Cys453insTer (NM_001083603.3); c.908_911del, p.Ala302_Cys303insTer (NM_001083604.3, NM_001083605.3, NM_001083606.3 and 1 more transcripts); c.1347+366_1347+369del (NM_001354918.2).
Identifiers: ClinVar variation 1352121 (VCV001352121.7), dbSNP rs2118311257, ClinGen allele CA645567501.